The following is an entry in ClinVar:

NM_000171.4(GLRA1):c.736C>T (p.Arg246Trp)

Gene: GLRA1 (glycine receptor alpha 1; minus strand). Cytogenetic location: 5q33.1.
Variant type: single nucleotide variant.
Coding change: c.736C>T on transcript NM_000171.4 (MANE Select); coding-DNA position 736, C replaced by T.
Protein change: p.Arg246Trp; replaces arginine 246 with tryptophan.
Molecular consequence: missense variant.
Genome position (GRCh38, 1-based): chr5:151,851,566, G>A on the plus strand (C>T on the coding strand, the complement: GLRA1 is on the minus strand). VCF-style: chr5-151851566-G-A. GRCh37 (hg19) VCF-style: chr5-151231127-G-A.
Other names: c.736C>T, p.Arg246Trp (NM_001146040.2); c.487C>T, p.Arg163Trp (NM_001292000.2); short protein forms R163W, R246W.
Identifiers: ClinVar variation 1324483 (VCV001324483.10), dbSNP rs751659671, ClinGen allele CA3523602.
Genomic context (GRCh38, chr5:151,851,566, plus strand): 5'-AGAGGATGACAATGAGCAGGCTGGGAATATACATCTGAATCAGGTAGTAACCCATCTGCC[G>A]CTCCAGGTGGAACCGGGCCTCAATGCAGGTGAATTTACCTGCAAGAAATTGCAGTGAGAA-3'
Protein context (NP_000162.2, residues 236-256): TCIEARFHLE[Arg246Trp]QMGYYLIQMY

ClinVar aggregate classification (germline): Pathogenic/Likely pathogenic. Review status: criteria provided, multiple submitters, no conflicts (2 of 4 stars). 3 submissions from 3 submitters: Pathogenic (2); Likely pathogenic (1). Last evaluated 2025-12-09.

Conditions:
Hereditary hyperekplexia. Identifiers: Orphanet 3197, MedGen C4084968, MONDO:0021022.
Hyperekplexia 1 (STHE). Also called: EXAGGERATED STARTLE REACTION; KOK DISEASE; HYPEREKPLEXIA 1, AUTOSOMAL DOMINANT; HYPEREKPLEXIA 1, AUTOSOMAL RECESSIVE; STARTLE DISEASE, FAMILIAL; STIFF-BABY SYNDROME. Identifiers: Orphanet 3197, MedGen C4551954, MONDO:0007868, OMIM 149400.

Allele frequency attached by ClinVar (database versions not stated): gnomAD exomes 0.00001 and 0.00002; ExAC 0.00002.
gnomAD v4.1: 17 of 1,613,860 alleles (0.0011%); highest among the groups gnomAD compares: Admixed American, 0.0017%; no homozygotes.

Submissions (3):

Labcorp Genetics (formerly Invitae), Labcorp
Classification: Pathogenic for Hereditary hyperekplexia. Last evaluated: 2025-12-09. Review status: criteria provided, single submitter. Criteria: Invitae Variant Classification Sherloc (09022015). Collection method: clinical testing. Allele origin: germline.
Comment: This sequence change replaces arginine, which is basic and polar, with tryptophan, which is neutral and slightly polar, at codon 246 of the GLRA1 protein (p.Arg246Trp). This variant is present in population databases (rs751659671, gnomAD 0.003%). This missense change has been observed in individuals with hyperekplexia (PMID: 24108130; internal data). This variant is also known as p.Arg218Trp. ClinVar contains an entry for this variant (Variation ID: 1324483). Invitae Evidence Modeling of protein sequence and biophysical properties (such as structural, functional, and spatial information, amino acid conservation, physicochemical variation, residue mobility, and thermodynamic stability) indicates that this missense variant is expected to disrupt GLRA1 protein function with a positive predictive value of 80%. Experimental studies have shown that this missense change affects GLRA1 function (PMID: 24108130). This variant disrupts the p.Arg246 amino acid residue in GLRA1. Other variant(s) that disrupt this residue have been determined to be pathogenic (PMID: 12746425, 24108130). This suggests that this residue is clinically significant, and that variants that disrupt this residue are likely to be disease-causing. For these reasons, this variant has been classified as Pathogenic.

Laboratory of Genetics, Children's Clinical University Hospital Latvia
Classification: Pathogenic. Last evaluated: 2025-02-16. Review status: criteria provided, single submitter. Criteria: ACMG Guidelines, 2015. Collection method: clinical testing. Allele origin: germline. Affected: yes.

Revvity Omics, Revvity
Classification: Likely pathogenic for Hyperekplexia 1. Last evaluated: 2022-05-26. Review status: criteria provided, single submitter. Criteria: ACMG Guidelines, 2015. Collection method: clinical testing. Allele origin: germline.

Literature cited by the submitters: PubMed 24108130 (cited by Labcorp Genetics (formerly Invitae), Labcorp); PubMed 12746425 (cited by Labcorp Genetics (formerly Invitae), Labcorp).